The following is an entry in ClinVar:

NM_005585.5(SMAD6):c.1077C>G (p.Asp359Glu)

Gene: SMAD6 (SMAD family member 6; plus strand). Cytogenetic location: 15q22.31.
Variant type: single nucleotide variant.
Coding change: c.1077C>G on transcript NM_005585.5 (MANE Select); coding-DNA position 1077, C replaced by G.
Protein change: p.Asp359Glu; replaces aspartic acid 359 with glutamic acid.
Molecular consequence: missense variant. On other transcripts: non-coding transcript variant (1).
Genome position (GRCh38, 1-based): chr15:66,781,121, C>G. VCF-style: chr15-66781121-C-G. GRCh37 (hg19) VCF-style: chr15-67073459-C-G.
Other names: short protein forms D359E.
Identifiers: ClinVar variation 1785145 (VCV001785145.2), dbSNP rs2541896851, ClinGen allele CA393201812.
Genomic context (GRCh38, chr15:66,781,121, plus strand): 5'-CCGGACGCGCGTGGGCCGCCTCTATGCGGTGTACGACCAGGCCGTCAGCATCTTCTACGA[C>G]CTACCTCAGGGCAGCGGCTTCTGCCTGGGCCAGCTCAACCTGGAGCAGCGCAGCGAGTCG-3'
Protein context (NP_005576.3, residues 349-369): VYDQAVSIFY[Asp359Glu]LPQGSGFCLG

ClinVar aggregate classification (germline): Uncertain significance (1 of 4 stars; one submission).

Conditions:
Inborn genetic diseases. Identifiers: MedGen C0950123, MeSH D030342.

Submission:

Ambry Genetics
Classification: Uncertain significance for Inborn genetic diseases. Last evaluated: 2021-08-31. Review status: criteria provided, single submitter. Criteria: Ambry Variant Classification Scheme 2023. Collection method: clinical testing. Allele origin: germline.
Comment: The p.D359E variant (also known as c.1077C>G), located in coding exon 4 of the SMAD6 gene, results from a C to G substitution at nucleotide position 1077. The aspartic acid at codon 359 is replaced by glutamic acid, an amino acid with highly similar properties. This amino acid position is conserved. In addition, this alteration is predicted to be deleterious by in silico analysis. Since supporting evidence is limited at this time, the clinical significance of this alteration remains unclear.